The following is an entry in ClinVar:

NM_000492.4(CFTR):c.748C>T (p.Gln250Ter)

Gene: CFTR (CF transmembrane conductance regulator; plus strand). Cytogenetic location: 7q31.2.
Variant type: single nucleotide variant.
Coding change: c.748C>T on transcript NM_000492.4 (MANE Select); coding-DNA position 748, C replaced by T.
Protein change: p.Gln250Ter; replaces glutamine 250 with a stop codon.
Molecular consequence: nonsense.
Genome position (GRCh38, 1-based): chr7:117,536,552, C>T. VCF-style: chr7-117536552-C-T. GRCh37 (hg19) VCF-style: chr7-117176606-C-T.
Other names: short protein forms Q250*.
Identifiers: ClinVar variation 1706054 (VCV001706054.2), dbSNP rs2485020029, ClinGen allele CA368977325.

ClinVar aggregate classification (germline): Pathogenic/Likely pathogenic. Review status: criteria provided, multiple submitters, no conflicts (2 of 4 stars). 2 submissions from 2 submitters: Pathogenic (1); Likely pathogenic (1). Last evaluated 2025-08-05.

Conditions:
CFTR-related disorder (CFTR-RD). Also called: CFTR-related condition; CFTR-related disorders. Identifiers: MedGen C5924204, MONDO:7770004.
Cystic fibrosis (CF). Also called: MUCOVISCIDOSIS. Identifiers: Orphanet 586, MedGen C0010674, MONDO:0009061, OMIM 219700. Disease mechanism: loss of function.

Submissions (2):

Natera, Inc.
Classification: Pathogenic for CFTR-related disorders. Last evaluated: 2025-08-05. Review status: criteria provided, single submitter. Criteria: Natera Variant Classification Schema (03/2026). Collection method: clinical testing. Allele origin: germline.
Comment: The c.748C>T variant in CFTR is a nonsense variant predicted to introduce a stop codon at amino acid 250. This variant is expected to result in nonsense mediated decay, truncation, or a dysfunctional protein product. This variant is rare in the general population with a frequency below the threshold expected for the associated phenotype(s). This variant has been observed in one or more individuals affected with the associated recessive disease, as either homozygous or compound heterozygous with a second variant (PMID: 32084388). Given the available evidence, this variant is classified as Pathogenic.

Institute of Human Genetics, University of Leipzig Medical Center
Classification: Likely pathogenic for Cystic fibrosis. Last evaluated: 2022-09-05. Review status: criteria provided, single submitter. Criteria: ACMG Guidelines, 2015. Collection method: curation. Allele origin: unknown. Affected: yes. Observed: 1 variant allele.
Comment: The variant was classified in the context of a project re-classifying variants in the German Cystic Fibrosis Registry (Muko.e.V.). Criteria applied: PVS1, PM2_SUP

Literature cited by the submitters: PubMed 32084388 (cited by Natera, Inc.).